The following is an entry in ClinVar:

ClinVar aggregate classification (germline): Benign (1 of 4 stars; one submission).

Submission:

GeneDx
Classification: Benign. Last evaluated: 2014-03-03. Review status: criteria provided, single submitter. Criteria: GeneDx Variant Classification (06012015). Collection method: clinical testing. Allele origin: germline.
Comment: The variant is found in EPILEPSY,INFANT-EPI panel(s).

NM_020705.2:c.+1C>T

Gene: TBC1D24 (TBC1 domain family member 24; plus strand). Cytogenetic location: 16p13.3.
Variant type: single nucleotide variant.
Identifiers: ClinVar variation 139401 (VCV000139401.1).